The following is an entry in ClinVar:

GRCh38/hg38 1q21.1-21.2(chr1:146202923-148413447)x1

Genes: ACP6 (acid phosphatase 6, lysophosphatidic; minus strand), BCL9 (BCL9 transcription coactivator; plus strand), CH17-408M7.1 (uncharacterized LOC102724558; plus strand), CHD1L (chromodomain helicase DNA binding protein 1 like; plus strand), FMO5 (flavin containing dimethylaniline monoxygenase 5; minus strand) and 57 more. Cytogenetic location: 1q21.1-21.2.
Variant type: copy number loss.
Change: copy number 1 (one copy instead of two) of chr1:146,202,923-148,413,447 (2.21 Mb, GRCh38 coordinates, 1-based), cytogenetic band 1q21.1-21.2.
Identifiers: ClinVar variation 4796339 (VCV004796339.1).

ClinVar aggregate classification (germline): Pathogenic (1 of 4 stars; one submission).

Submission:

Medical Genetic Center, Changzhi Maternal and Child Health Care Hospital
Classification: Pathogenic. Last evaluated: 2025-12-10. Review status: criteria provided, single submitter. Criteria: ACMG/ClinGen CNV Guidelines, 2019. Collection method: clinical testing. Allele origin: unknown.
Comment: 2A:1q21.1 recurrent region (distal, BP3-BP4) (includes GJA5)